The following is an entry in ClinVar:

ClinVar aggregate classification (germline): Uncertain significance (1 of 4 stars; one submission).

Submission:

Labcorp Genetics (formerly Invitae), Labcorp
Classification: Uncertain significance. Last evaluated: 2026-01-26. Review status: criteria provided, single submitter. Criteria: Invitae Variant Classification Sherloc (09022015). Collection method: clinical testing. Allele origin: germline.
Comment: This sequence change replaces phenylalanine, which is neutral and non-polar, with serine, which is neutral and polar, at codon 88 of the LPIN1 protein (p.Phe88Ser). This variant is not present in population databases (gnomAD no frequency). This variant has not been reported in the literature in individuals affected with LPIN1-related conditions. Invitae Evidence Modeling of protein sequence and biophysical properties (such as structural, functional, and spatial information, amino acid conservation, physicochemical variation, residue mobility, and thermodynamic stability) indicates that this missense variant is expected to disrupt LPIN1 protein function with a positive predictive value of 80%. In summary, the available evidence is currently insufficient to determine the role of this variant in disease. Therefore, it has been classified as a Variant of Uncertain Significance.

NM_001349206.2(LPIN1):c.263T>C (p.Phe88Ser)

Gene: LPIN1 (lipin 1; plus strand). Cytogenetic location: 2p25.1.
Variant type: single nucleotide variant.
Coding change: c.263T>C on transcript NM_001349206.2 (MANE Select); coding-DNA position 263, T replaced by C.
Protein change: p.Phe88Ser; replaces phenylalanine 88 with serine.
Molecular consequence: missense variant. On other transcripts: non-coding transcript variant (1).
Genome position (GRCh38, 1-based): chr2:11,767,833, T>C. VCF-style: chr2-11767833-T-C. GRCh37 (hg19) VCF-style: chr2-11907959-T-C.
Other names: c.281T>C, p.Phe94Ser (NM_001261427.3); c.410T>C, p.Phe137Ser (NM_001261428.3, NM_001349208.2); c.263T>C, p.Phe88Ser (NM_001349199.2, NM_001349200.2, NM_001349201.2 and 5 more transcripts); c.353T>C, p.Phe118Ser (NM_001349207.2); short protein forms F137S, F88S, F118S, F94S.
Identifiers: ClinVar variation 4740771 (VCV004740771.1).